The following is an entry in ClinVar:

NM_001288962.2(TRIP10):c.*59C>T

Gene: TRIP10 (thyroid hormone receptor interactor 10; plus strand). Cytogenetic location: 19p13.3.
Variant type: single nucleotide variant.
Coding change: c.*59C>T on transcript NM_001288962.2 (MANE Select); 59 bases downstream of the stop codon, C replaced by T.
Molecular consequence: 3 prime UTR variant. On other transcripts: missense variant (1), non-coding transcript variant (1).
Genome position (GRCh38, 1-based): chr19:6,751,270, C>T. VCF-style: chr19-6751270-C-T. GRCh37 (hg19) VCF-style: chr19-6751281-C-T.
Other names: c.1726C>T, p.Pro576Ser (NM_001288963.3); c.*59C>T (NM_004240.4); short protein forms P576S.
Identifiers: ClinVar variation 403568 (VCV000403568.5), dbSNP rs1049230, ClinGen allele CA9131536.
Genomic context (GRCh38, chr19:6,751,270, plus strand): 5'-GAACCCTGCCAGAGACGGGAAGAGGGGGGCTGTCGGCTGCTGCTTCTGGGCCACGGGGAG[C>T]CCCAGGACCTATGCACTTTATTTCTGACCCCGTGGCTTCGGCTGAGACCTGTGTAACCTG-3'

ClinVar aggregate classification (germline): Benign. Review status: criteria provided, multiple submitters, no conflicts (2 of 4 stars). 2 submissions from 2 submitters: Benign (2). Last evaluated 2016-03-29.

Allele frequency attached by ClinVar (database versions not stated): gnomAD exomes 0.18426 and 0.20297; ExAC 0.20529; gnomAD 0.22040 and 0.22192; TOPMed 0.22479; 1000 Genomes Project 0.23982; 1000 Genomes Project 30x 0.24266.
gnomAD v4.1: 302,960 of 1,611,074 alleles (19%); highest among the groups gnomAD compares: African/African-American, 29%; 29,470 homozygotes.

Submissions (2):

Laboratory for Molecular Medicine, Mass General Brigham Personalized Medicine
Classification: Benign. Last evaluated: 2016-03-29. Review status: criteria provided, single submitter. Criteria: LMM Criteria. Collection method: clinical testing. Allele origin: germline.
Comment: Variant identified in a genome or exome case(s) and assessed due to predicted null impact of the variant or pathogenic assertions in the literature or databases. Disclaimer: This variant has not undergone full assessment. The following are preliminary notes: MAF

Breakthrough Genomics
Classification: Benign. Review status: criteria provided, single submitter. Criteria: ACMG Guidelines, 2015. Collection method: not provided. Allele origin: germline. Inheritance: Unknown mechanism. Affected: yes.